The following is an entry in ClinVar:

ClinVar aggregate classification (germline): Uncertain significance (1 of 4 stars; one submission).

Submission:

Labcorp Genetics (formerly Invitae), Labcorp
Classification: Uncertain significance. Last evaluated: 2021-10-20. Review status: criteria provided, single submitter. Criteria: Invitae Variant Classification Sherloc (09022015). Collection method: clinical testing. Allele origin: germline.
Comment: In summary, the available evidence is currently insufficient to determine the role of this variant in disease. Therefore, it has been classified as a Variant of Uncertain Significance. Algorithms developed to predict the effect of missense changes on protein structure and function (SIFT, PolyPhen-2, Align-GVGD) all suggest that this variant is likely to be tolerated. This variant has not been reported in the literature in individuals affected with TNNI3K-related conditions. This variant is not present in population databases (ExAC no frequency). This sequence change replaces cysteine with serine at codon 724 of the TNNI3K protein (p.Cys724Ser). The cysteine residue is highly conserved and there is a moderate physicochemical difference between cysteine and serine.

NM_015978.3(TNNI3K):c.2171G>C (p.Cys724Ser)

Genes: FPGT-TNNI3K (FPGT-TNNI3K readthrough; plus strand), LRRC53 (leucine rich repeat containing 53; minus strand), TNNI3K (TNNI3 interacting kinase; plus strand). Cytogenetic location: 1p31.1.
Variant type: single nucleotide variant.
Coding change: c.2171G>C on transcript NM_015978.3 (MANE Select); coding-DNA position 2171, G replaced by C.
Protein change: p.Cys724Ser; replaces cysteine 724 with serine.
Molecular consequence: missense variant. On other transcripts: intron variant (2).
Genome position (GRCh38, 1-based): chr1:74,489,238, G>C. VCF-style: chr1-74489238-G-C. GRCh37 (hg19) VCF-style: chr1-74954922-G-C.
Other names: c.2474G>C, p.Cys825Ser (NM_001112808.3); c.-8-8270C>G (NM_001364666.2); c.-26-5863C>G (NM_001382280.1); short protein forms C825S, C724S.
Identifiers: ClinVar variation 1388055 (VCV001388055.6), dbSNP rs2100292549, ClinGen allele CA340798663.